The following is an entry in ClinVar:

ClinVar aggregate classification (germline): Uncertain significance (1 of 4 stars; one submission).

Conditions:
Peroxisome biogenesis disorder 12A (Zellweger). Also called: Peroxisome biogenesis disorder 12A. Identifiers: Orphanet 912, MedGen C3554002, MONDO:0013951, OMIM 614886.

Submission:

Labcorp Genetics (formerly Invitae), Labcorp
Classification: Uncertain significance for Peroxisome biogenesis disorder 12A (Zellweger). Last evaluated: 2022-06-26. Review status: criteria provided, single submitter. Criteria: Invitae Variant Classification Sherloc (09022015). Collection method: clinical testing. Allele origin: germline.
Comment: In summary, the available evidence is currently insufficient to determine the role of this variant in disease. Therefore, it has been classified as a Variant of Uncertain Significance. Algorithms developed to predict the effect of missense changes on protein structure and function (SIFT, PolyPhen-2, Align-GVGD) all suggest that this variant is likely to be tolerated. This variant has not been reported in the literature in individuals affected with PEX19-related conditions. This variant is not present in population databases (gnomAD no frequency). This sequence change replaces serine, which is neutral and polar, with arginine, which is basic and polar, at codon 205 of the PEX19 protein (p.Ser205Arg).

NM_002857.4(PEX19):c.615T>A (p.Ser205Arg)

Gene: PEX19 (peroxisomal biogenesis factor 19; minus strand). Cytogenetic location: 1q23.2.
Variant type: single nucleotide variant.
Coding change: c.615T>A on transcript NM_002857.4 (MANE Select); coding-DNA position 615, T replaced by A.
Protein change: p.Ser205Arg; replaces serine 205 with arginine.
Molecular consequence: missense variant. On other transcripts: non-coding transcript variant (2).
Genome position (GRCh38, 1-based): chr1:160,280,226, A>T on the plus strand (T>A on the coding strand, the complement: PEX19 is on the minus strand). VCF-style: chr1-160280226-A-T. GRCh37 (hg19) VCF-style: chr1-160250016-A-T.
Other names: c.615T>A, p.Ser205Arg (NM_001193644.1); short protein forms S205R.
Identifiers: ClinVar variation 1501086 (VCV001501086.8), dbSNP rs2101800172, ClinGen allele CA343258215.